The following is an entry in ClinVar:

NM_000238.4(KCNH2):c.2943C>T (p.Ser981=)

Gene: KCNH2 (potassium voltage-gated channel subfamily H member 2; minus strand). Cytogenetic location: 7q36.1.
Variant type: single nucleotide variant.
Coding change: c.2943C>T on transcript NM_000238.4 (MANE Select); coding-DNA position 2943, C replaced by T.
Protein change: p.Ser981=; no amino-acid change (serine 981 retained).
Molecular consequence: synonymous variant.
Genome position (GRCh38, 1-based): chr7:150,947,628, G>A on the plus strand (C>T on the coding strand, the complement: KCNH2 is on the minus strand). VCF-style: chr7-150947628-G-A. GRCh37 (hg19) VCF-style: chr7-150644716-G-A.
Other names: c.1923C>T, p.Ser641= (NM_172057.3).
Identifiers: ClinVar variation 920587 (VCV000920587.16), dbSNP rs374528441, ClinGen allele CA035581.

ClinVar aggregate classification (germline): Likely benign. Review status: criteria provided, multiple submitters, no conflicts (2 of 4 stars). 4 submissions from 4 submitters: Likely benign (4). Last evaluated 2026-01-12.

Conditions:
Long QT syndrome (LQTS). Identifiers: MedGen C0023976, MeSH D008133, MONDO:0002442. Disease mechanism: loss of function. Inheritance: Various modes of inheritance.
Cardiac arrhythmia. Also called: Arrhythmia; Cardiac rhythm disease. Identifiers: MedGen C0003811, MONDO:0007263, HP:0011675.
Cardiovascular phenotype. Identifiers: MedGen CN230736.

Allele frequency attached by ClinVar (database versions not stated): ExAC 0.00001; TOPMed 0.00002; gnomAD 0.00003 and 0.00004; gnomAD exomes 0.00003; ESP Exome Variant Server 0.00008.
gnomAD v4.1: 42 of 1,612,456 alleles (0.0026%); highest among the groups gnomAD compares: African/African-American, 0.004%; no homozygotes.

Submissions (4):

Labcorp Genetics (formerly Invitae), Labcorp
Classification: Likely benign for Long QT syndrome. Last evaluated: 2026-01-12. Review status: criteria provided, single submitter. Criteria: Invitae Variant Classification Sherloc (09022015). Collection method: clinical testing. Allele origin: germline.

All of Us Research Program, National Institutes of Health
Classification: Likely benign for Long QT syndrome. Last evaluated: 2023-08-28. Review status: criteria provided, single submitter. Criteria: ACMG Guidelines, 2015. Collection method: clinical testing. Allele origin: germline. Inheritance: Autosomal dominant inheritance. Observed: 3 variant alleles, 3 heterozygotes.
Comment: This study involves interpretation of variants in research participants for the purpose of population health screening. Participant phenotype was not available at the time of variant classification. Additional details can be found in publication PMID: 35346344, PMCID: PMC8962531

Ambry Genetics
Classification: Likely benign for Cardiovascular phenotype. Last evaluated: 2019-10-15. Review status: criteria provided, single submitter. Criteria: Ambry Variant Classification Scheme 2023. Collection method: clinical testing. Allele origin: germline.

Color Diagnostics, LLC DBA Color Health
Classification: Likely benign for Arrhythmia. Last evaluated: 2018-12-21. Review status: criteria provided, single submitter. Criteria: ACMG Guidelines, 2015. Collection method: clinical testing. Allele origin: germline.